The following is an entry in ClinVar:

NM_003590.5(CUL3):c.620C>T (p.Ala207Val)

Gene: CUL3 (cullin 3; minus strand). Cytogenetic location: 2q36.2.
Variant type: single nucleotide variant.
Coding change: c.620C>T on transcript NM_003590.5 (MANE Select); coding-DNA position 620, C replaced by T.
Protein change: p.Ala207Val; replaces alanine 207 with valine.
Molecular consequence: missense variant.
Genome position (GRCh38, 1-based): chr2:224,513,558, G>A on the plus strand (C>T on the coding strand, the complement: CUL3 is on the minus strand). VCF-style: chr2-224513558-G-A. GRCh37 (hg19) VCF-style: chr2-225378275-G-A.
Other names: c.638C>T, p.Ala213Val (NM_001257198.2); c.422C>T, p.Ala141Val (NM_001257197.2); short protein forms A141V, A213V, A207V.
Identifiers: ClinVar variation 2958093 (VCV002958093.3), dbSNP rs750610847, ClinGen allele CA2140159.
Genomic context (GRCh38, chr2:224,513,558, plus strand): 5'-TATTTATTTACATTTTCACGGATTACCTGAAAAAATTCTGCAGACATTTCCAAAAAAGGA[G>A]CCTCAAAATCTTCTTCATAGACTGATCTTCCTTCGAGACCTAAAATCATTAACATCTGGC-3'
Protein context (NP_003581.1, residues 197-217): GRSVYEEDFE[Ala207Val]PFLEMSAEFF

ClinVar aggregate classification (germline): Uncertain significance (1 of 4 stars; one submission).

Allele frequency attached by ClinVar (database versions not stated): TOPMed below 0.00001; ExAC 0.00001; gnomAD 0.00001.
gnomAD v4.1: 25 of 1,598,084 alleles (0.0016%); highest among the groups gnomAD compares: Non-Finnish European, 0.0021%; no homozygotes.

Submission:

Labcorp Genetics (formerly Invitae), Labcorp
Classification: Uncertain significance. Last evaluated: 2025-01-06. Review status: criteria provided, single submitter. Criteria: Invitae Variant Classification Sherloc (09022015). Collection method: clinical testing. Allele origin: germline.
Comment: This sequence change replaces alanine, which is neutral and non-polar, with valine, which is neutral and non-polar, at codon 207 of the CUL3 protein (p.Ala207Val). This variant is present in population databases (rs750610847, gnomAD 0.003%). This variant has not been reported in the literature in individuals affected with CUL3-related conditions. ClinVar contains an entry for this variant (Variation ID: 2958093). Invitae Evidence Modeling of protein sequence and biophysical properties (such as structural, functional, and spatial information, amino acid conservation, physicochemical variation, residue mobility, and thermodynamic stability) indicates that this missense variant is not expected to disrupt CUL3 protein function with a negative predictive value of 95%. In summary, the available evidence is currently insufficient to determine the role of this variant in disease. Therefore, it has been classified as a Variant of Uncertain Significance.